The following is an entry in ClinVar:

ClinVar aggregate classification (germline): Uncertain significance. Review status: criteria provided, multiple submitters, no conflicts (2 of 4 stars). 8 submissions from 8 submitters: Uncertain significance (8). Last evaluated 2026-07-06.

Conditions:
Congenital myopathy with fiber type disproportion. Also called: Congenital fiber-type disproportion; Congenital fiber-type disproportion myopathy. Identifiers: Orphanet 2020, MedGen C0546264, MONDO:0009711. Inheritance: all.
King Denborough syndrome (KDS). Identifiers: MedGen C1840365, MONDO:0020485, OMIM 619542.
Central core myopathy (CMYO1A). Also called: CONGENITAL MYOPATHY 1A, AUTOSOMAL DOMINANT, WITH SUSCEPTIBILITY TO MALIGNANT HYPERTHERMIA; Central core disease; Myopathy, central fibrillar. Identifiers: Orphanet 597, MedGen C5830701, MONDO:0007294, OMIM 117000.
Congenital multicore myopathy with external ophthalmoplegia (CMYO1B). Also called: MULTICORE MYOPATHY; Minicore myopathy; Minicore myopathy with external ophthalmoplegia; MULTIMINICORE DISEASE WITH EXTERNAL OPHTHALMOPLEGIA; Congenital myopathy 1B, autosomal recessive. Identifiers: Orphanet 598, Orphanet 98905, MedGen C1850674, MONDO:0009712, OMIM 255320, HP:0003789.
Malignant hyperthermia, susceptibility to, 1 (MHS1). Also called: Anesthesia related hyperthermia; Malignant hyperpyrexia; Fulminating hyperpyrexia; Pharmacogenic myopathy; RYR1-Related Malignant Hyperthermia Susceptibility; Malignant hyperthermia suceptibility 1. Identifiers: Orphanet 423, MedGen C2930980, MONDO:0007783, OMIM 145600.
RYR1-related disorder. Also called: RYR1-related disorders; RYR1-related condition. Identifiers: MedGen CN239331.
Inborn genetic diseases. Identifiers: MedGen C0950123, MeSH D030342.

Allele frequency attached by ClinVar (database versions not stated): gnomAD 0.00004 and 0.00001; gnomAD exomes 0.00001; TOPMed 0.00006; ESP Exome Variant Server 0.00008.
gnomAD v4.1: 10 of 1,614,086 alleles (0.00062%); highest among the groups gnomAD compares: African/African-American, 0.0013%; no homozygotes.

Submissions (8):

Ambry Genetics
Classification: Uncertain significance for Inborn genetic diseases. Last evaluated: 2026-07-06. Review status: criteria provided, single submitter. Criteria: Ambry Variant Classification Scheme 2023. Collection method: clinical testing. Allele origin: germline.
Comment: The p.D3675H variant (also known as c.11023G>C), located in coding exon 75 of the RYR1 gene, results from a G to C substitution at nucleotide position 11023. The aspartic acid at codon 3675 is replaced by histidine, an amino acid with similar properties. This amino acid position is conserved. In addition, the in silico prediction for this alteration is inconclusive. Based on the available evidence, the clinical significance of this variant remains unclear.

Labcorp Genetics (formerly Invitae), Labcorp
Classification: Uncertain significance for RYR1-related disorder. Last evaluated: 2025-10-02. Review status: criteria provided, single submitter. Criteria: Invitae Variant Classification Sherloc (09022015). Collection method: clinical testing. Allele origin: germline.
Comment: This sequence change replaces aspartic acid, which is acidic and polar, with histidine, which is basic and polar, at codon 3675 of the RYR1 protein (p.Asp3675His). This variant is present in population databases (rs145026307, gnomAD 0.0009%). This variant has not been reported in the literature in individuals affected with RYR1-related conditions. ClinVar contains an entry for this variant (Variation ID: 931477). Invitae Evidence Modeling of protein sequence and biophysical properties (such as structural, functional, and spatial information, amino acid conservation, physicochemical variation, residue mobility, and thermodynamic stability) indicates that this missense variant is not expected to disrupt RYR1 protein function with a negative predictive value of 80%. In summary, the available evidence is currently insufficient to determine the role of this variant in disease. Therefore, it has been classified as a Variant of Uncertain Significance.

PreventionGenetics, part of Exact Sciences
Classification: Uncertain significance for RYR1-related condition. Last evaluated: 2025-01-18. Review status: criteria provided, single submitter. Criteria: ACMG Guidelines, 2015. Collection method: clinical testing. Allele origin: germline.
Comment: The RYR1 c.11023G>C variant is predicted to result in the amino acid substitution p.Asp3675His. To our knowledge, this variant has not been reported in the literature. This variant is reported in 0.0062% of alleles in individuals of African descent in gnomAD. At this time, the clinical significance of this variant is uncertain due to the absence of conclusive functional and genetic evidence.

Revvity Omics, Revvity
Classification: Uncertain significance. Last evaluated: 2023-07-25. Review status: criteria provided, single submitter. Criteria: ACMG Guidelines, 2015. Collection method: clinical testing. Allele origin: germline.

Clinical Genetics Laboratory, Skane University Hospital Lund
Classification: Uncertain significance. Last evaluated: 2022-05-27. Review status: criteria provided, single submitter. Criteria: ACMG Guidelines, 2015. Collection method: clinical testing. Allele origin: germline. Affected: yes.

Fulgent Genetics
Classification: Uncertain significance for Central core myopathy; Malignant hyperthermia, susceptibility to, 1; Congenital myopathy 4A, autosomal dominant; Congenital multicore myopathy with external ophthalmoplegia; King Denborough syndrome. Last evaluated: 2021-07-12. Review status: criteria provided, single submitter. Criteria: ACMG Guidelines, 2015. Collection method: clinical testing. Allele origin: unknown.

AiLife Diagnostics
Classification: Uncertain significance. Last evaluated: 2020-12-03. Review status: criteria provided, single submitter. Criteria: ACMG Guidelines, 2015. Collection method: clinical testing. Allele origin: germline. Affected: yes. Observed: 1 variant allele.

Centre for Mendelian Genomics, University Medical Centre Ljubljana
Classification: Uncertain significance for Congenital myopathy 4A, autosomal dominant. Last evaluated: 2019-06-06. Review status: criteria provided, single submitter. Criteria: ACMG Guidelines, 2015. Collection method: clinical testing. Allele origin: unknown. Affected: yes.
Comment: This variant was classified as: Uncertain significance. The available evidence on this variant's pathogenicity is insufficient or conflicting. The following ACMG criteria were applied in classifying this variant: PM2,PP2,PP3.

NM_000540.3(RYR1):c.11023G>C (p.Asp3675His)

Gene: RYR1 (ryanodine receptor 1; plus strand). Cytogenetic location: 19q13.2.
Variant type: single nucleotide variant.
Coding change: c.11023G>C on transcript NM_000540.3 (MANE Select); coding-DNA position 11023, G replaced by C.
Protein change: p.Asp3675His; replaces aspartic acid 3675 with histidine.
Molecular consequence: missense variant.
Genome position (GRCh38, 1-based): chr19:38,528,684, G>C. VCF-style: chr19-38528684-G-C. GRCh37 (hg19) VCF-style: chr19-39019324-G-C.
Other names: c.11008G>C, p.Asp3670His (NM_001042723.2); short protein forms D3670H, D3675H.
Identifiers: ClinVar variation 931477 (VCV000931477.19), dbSNP rs145026307, ClinGen allele CA055581.